The following is an entry in ClinVar:

ClinVar aggregate classification (germline): Uncertain significance (1 of 4 stars; one submission).

Allele frequency attached by ClinVar (database versions not stated): gnomAD exomes below 0.00001; ExAC 0.00002.
gnomAD v4.1: 2 of 1,610,848 alleles (0.00012%); highest among the groups gnomAD compares: Non-Finnish European, 0.00017%; no homozygotes.

Submission:

Labcorp Genetics (formerly Invitae), Labcorp
Classification: Uncertain significance. Last evaluated: 2024-09-10. Review status: criteria provided, single submitter. Criteria: Invitae Variant Classification Sherloc (09022015). Collection method: clinical testing. Allele origin: germline.
Comment: This sequence change replaces leucine, which is neutral and non-polar, with methionine, which is neutral and non-polar, at codon 326 of the SPPL2A protein (p.Leu326Met). This variant is present in population databases (rs776771051, gnomAD 0.002%). This variant has not been reported in the literature in individuals affected with SPPL2A-related conditions. An algorithm developed to predict the effect of missense changes on protein structure and function (PolyPhen-2) suggests that this variant is likely to be disruptive. In summary, the available evidence is currently insufficient to determine the role of this variant in disease. Therefore, it has been classified as a Variant of Uncertain Significance.

NM_032802.4(SPPL2A):c.976C>A (p.Leu326Met)

Gene: SPPL2A (signal peptide peptidase like 2A; minus strand). Cytogenetic location: 15q21.2.
Variant type: single nucleotide variant.
Coding change: c.976C>A on transcript NM_032802.4 (MANE Select); coding-DNA position 976, C replaced by A.
Protein change: p.Leu326Met; replaces leucine 326 with methionine.
Molecular consequence: missense variant.
Genome position (GRCh38, 1-based): chr15:50,732,641, G>T on the plus strand (C>A on the coding strand, the complement: SPPL2A is on the minus strand). VCF-style: chr15-50732641-G-T. GRCh37 (hg19) VCF-style: chr15-51024838-G-T.
Other names: short protein forms L326M.
Identifiers: ClinVar variation 2875666 (VCV002875666.3), dbSNP rs776771051, ClinGen allele CA7558360.